The following is an entry in ClinVar:

ClinVar aggregate classification (germline): Uncertain significance (1 of 4 stars; one submission).

Submission:

Labcorp Genetics (formerly Invitae), Labcorp
Classification: Uncertain significance. Last evaluated: 2022-10-07. Review status: criteria provided, single submitter. Criteria: Invitae Variant Classification Sherloc (09022015). Collection method: clinical testing. Allele origin: germline.
Comment: This sequence change replaces leucine, which is neutral and non-polar, with histidine, which is basic and polar, at codon 147 of the TNFAIP3 protein (p.Leu147His). This variant is not present in population databases (gnomAD no frequency). This variant has not been reported in the literature in individuals affected with TNFAIP3-related conditions. Algorithms developed to predict the effect of missense changes on protein structure and function are either unavailable or do not agree on the potential impact of this missense change (SIFT: "Deleterious"; PolyPhen-2: "Probably Damaging"; Align-GVGD: "Class C0"). In summary, the available evidence is currently insufficient to determine the role of this variant in disease. Therefore, it has been classified as a Variant of Uncertain Significance.

NM_001270508.2(TNFAIP3):c.440T>A (p.Leu147His)

Gene: TNFAIP3 (TNF alpha induced protein 3; plus strand). Cytogenetic location: 6q23.3.
Variant type: single nucleotide variant.
Coding change: c.440T>A on transcript NM_001270508.2 (MANE Select); coding-DNA position 440, T replaced by A.
Protein change: p.Leu147His; replaces leucine 147 with histidine.
Molecular consequence: missense variant.
Genome position (GRCh38, 1-based): chr6:137,874,989, T>A. VCF-style: chr6-137874989-T-A. GRCh37 (hg19) VCF-style: chr6-138196126-T-A.
Other names: c.440T>A, p.Leu147His (NM_001270507.2, NM_006290.4); short protein forms L147H.
Identifiers: ClinVar variation 1721212 (VCV001721212.5), dbSNP rs2114478741, ClinGen allele CA365782346.
Genomic context (GRCh38, chr6:137,874,989, plus strand): 5'-TCAGCACGCTCAAGGAAACAGACACACGCAACTTTAAATTCCGCTGGCAACTGGAGTCTC[T>A]CAAATCTCAGGAATTTGTTGAAACGGGGCTTTGCTATGATACTCGGGTAGGTTTTTCCCC-3'
Protein context (NP_001257437.1, residues 137-157): NFKFRWQLES[Leu147His]KSQEFVETGL